The following is an entry in ClinVar:

ClinVar aggregate classification (germline): Conflicting classifications of pathogenicity. Review status: criteria provided, conflicting classifications (1 of 4 stars). 3 submissions from 3 submitters: Uncertain significance (1); Likely benign (2). Last evaluated 2024-02-17.

Conditions:
Hereditary cancer-predisposing syndrome. Also called: Hereditary Cancer Syndrome; Hereditary neoplastic syndrome; Neoplastic Syndromes, Hereditary; Tumor predisposition. Identifiers: Orphanet 140162, MedGen C0027672, MeSH D009386, MONDO:0015356.

Allele frequency attached by ClinVar (database versions not stated): gnomAD exomes below 0.00001 and 0.00001.
gnomAD v4.1: 3 of 1,613,996 alleles (0.00019%); highest among the groups gnomAD compares: South Asian, 0.0011%; no homozygotes.

Submissions (3):

Labcorp Genetics (formerly Invitae), Labcorp
Classification: Likely benign. Last evaluated: 2024-02-17. Review status: criteria provided, single submitter. Criteria: Invitae Variant Classification Sherloc (09022015). Collection method: clinical testing. Allele origin: germline.

Sema4
Classification: Uncertain significance for Hereditary cancer-predisposing syndrome. Last evaluated: 2021-08-09. Review status: criteria provided, single submitter. Criteria: Sema4 Curation Guidelines. Collection method: curation. Allele origin: germline.
Comment: The MSH3 c.1332A>G (p.T444=) variant has not been reported in the literature to our knowledge. It was observed in 1/30616 chromosomes of the South Asian subpopulation in the large and broad cohorts of the Genome Aggregation Database (PMID: 32461654). The variant has not been reported in ClinVar. In silico tools suggest the variant may potentially have an impact on splicing, though these predictions have not been confirmed by functional studies. The evidence is insufficient to meet ACMG/AMP criteria for classifying the variant as benign or pathogenic. Thus, the clinical significance of this variant is currently uncertain.

Ambry Genetics
Classification: Likely benign for Hereditary cancer-predisposing syndrome. Last evaluated: 2020-02-09. Review status: criteria provided, single submitter. Criteria: Ambry Variant Classification Scheme 2023. Collection method: clinical testing. Allele origin: germline.

NM_002439.5(MSH3):c.1332A>G (p.Thr444=)

Gene: MSH3 (mutS homolog 3; plus strand). Cytogenetic location: 5q14.1.
Variant type: single nucleotide variant.
Coding change: c.1332A>G on transcript NM_002439.5 (MANE Select); coding-DNA position 1332, A replaced by G.
Protein change: p.Thr444=; no amino-acid change (threonine 444 retained).
Molecular consequence: synonymous variant.
Genome position (GRCh38, 1-based): chr5:80,679,085, A>G. VCF-style: chr5-80679085-A-G. GRCh37 (hg19) VCF-style: chr5-79974904-A-G.
Identifiers: ClinVar variation 1692656 (VCV001692656.8), dbSNP rs1252609685, ClinGen allele CA445161269.